The following is an entry in ClinVar:

ClinVar aggregate classification (germline): Uncertain significance (1 of 4 stars; one submission).

Allele frequency attached by ClinVar (database versions not stated): gnomAD exomes below 0.00001.
gnomAD v4.1: 1 of 1,611,710 alleles (0.000062%); highest among the groups gnomAD compares: Non-Finnish European, 0.000085%; no homozygotes.

Submission:

Labcorp Genetics (formerly Invitae), Labcorp
Classification: Uncertain significance. Last evaluated: 2022-03-20. Review status: criteria provided, single submitter. Criteria: Invitae Variant Classification Sherloc (09022015). Collection method: clinical testing. Allele origin: germline.
Comment: In summary, the available evidence is currently insufficient to determine the role of this variant in disease. Therefore, it has been classified as a Variant of Uncertain Significance. Variants that disrupt the consensus splice site are a relatively common cause of aberrant splicing (PMID: 17576681, 9536098). Algorithms developed to predict the effect of sequence changes on RNA splicing suggest that this variant is not likely to affect RNA splicing. This variant has not been reported in the literature in individuals affected with ALDH6A1-related conditions. This variant is not present in population databases (gnomAD no frequency). This sequence change falls in intron 10 of the ALDH6A1 gene. It does not directly change the encoded amino acid sequence of the ALDH6A1 protein. It affects a nucleotide within the consensus splice site.

Literature cited by the submitters: PubMed 17576681; PubMed 9536098.

NM_005589.4(ALDH6A1):c.1405-3T>C

Genes: ALDH6A1 (aldehyde dehydrogenase 6 family member A1; minus strand), BBOF1 (basal body orientation factor 1; plus strand). Cytogenetic location: 14q24.3.
Variant type: single nucleotide variant.
Coding change: c.1405-3T>C on transcript NM_005589.4 (MANE Select); 3 bases into the intron before coding-DNA position 1405, T replaced by C.
Molecular consequence: intron variant. On other transcripts: 3 prime UTR variant (1).
Genome position (GRCh38, 1-based): chr14:74,064,923, A>G on the plus strand (T>C on the coding strand, the complement: ALDH6A1 is on the minus strand). VCF-style: chr14-74064923-A-G. GRCh37 (hg19) VCF-style: chr14-74531626-A-G.
Other names: c.*224A>G (NM_025057.3); c.1366-3T>C (NM_001278593.2); c.943-3T>C (NM_001278594.2).
Identifiers: ClinVar variation 2115394 (VCV002115394.4), dbSNP rs2504560223, ClinGen allele CA2580088703.